The following is an entry in ClinVar:

NM_001042492.3(NF1):c.6583_6586del (p.Glu2195fs)

Gene: NF1 (neurofibromin 1; plus strand). Cytogenetic location: 17q11.2.
Variant type: Microsatellite.
Coding change: c.6583_6586del on transcript NM_001042492.3 (MANE Select); coding-DNA positions 6583 to 6586, 4 bases deleted (GAGA; older notation c.6583_6586delGAGA).
Protein change: p.Glu2195fs; shifts the reading frame from glutamic acid 2195.
Molecular consequence: frameshift variant.
Genome position (GRCh38, 1-based): chr17:31,337,523-31,337,526, GAGA deleted; deleting any 4 consecutive bases within chr17:31,337,517-31,337,526 gives the same sequence; the c. name uses the placement nearest the transcript's 3' end. VCF-style (leftmost placement, unchanged base first): chr17-31337516-TGAGA-T. GRCh37 (hg19) VCF-style: chr17-29664534-TGAGA-T.
Other names: c.6583_6586delGAGA (NM_001042492.2); c.6514_6515GA[3], p.Glu2174Leufs (NM_000267.4); short protein forms E2174fs, E2195fs.
Identifiers: ClinVar variation 428961 (VCV000428961.19), dbSNP rs1131691084, ClinGen allele CA645369727.

ClinVar aggregate classification (germline): Pathogenic. Review status: criteria provided, multiple submitters, no conflicts (2 of 4 stars). 5 submissions from 5 submitters: Pathogenic (5). Last evaluated 2025-11-27.

Conditions:
Hereditary cancer-predisposing syndrome. Also called: Hereditary neoplastic syndrome; Tumor predisposition; Neoplastic Syndromes, Hereditary; Hereditary Cancer Syndrome. Identifiers: Orphanet 140162, MedGen C0027672, MeSH D009386, MONDO:0015356.
Neurofibromatosis, type 1 (NF1). Also called: Neurofibromatosis, type I; NEUROFIBROMATOSIS, TYPE I, SOMATIC; Peripheral type neurofibromatosis; VON RECKLINGHAUSEN DISEASE. Identifiers: Orphanet 636, MedGen C0027831, MONDO:0018975, OMIM 162200. Disease mechanism: loss of function.

Submissions (5):

Labcorp Genetics (formerly Invitae), Labcorp
Classification: Pathogenic for Neurofibromatosis, type 1. Last evaluated: 2025-11-27. Review status: criteria provided, single submitter. Criteria: Invitae Variant Classification Sherloc (09022015). Collection method: clinical testing. Allele origin: germline.
Comment: This sequence change creates a premature translational stop signal (p.Glu2174Leufs*4) in the NF1 gene. It is expected to result in an absent or disrupted protein product. Loss-of-function variants in NF1 are known to be pathogenic (PMID: 10712197, 23913538). This variant is not present in population databases (gnomAD no frequency). This premature translational stop signal has been observed in individual(s) with neurofibromatosis (PMID: 27173220). In at least one individual the variant was observed to be de novo. Invitae Evidence Modeling of clinical and family history, age, sex, and reported ancestry of multiple individuals with this NF1 variant has been performed. This variant is expected to be pathogenic with a positive predictive value of at least 99%. This is a validated machine learning model that incorporates the clinical features of 1,785,918 individuals referred to our laboratory for NF1 testing. ClinVar contains an entry for this variant (Variation ID: 428961). For these reasons, this variant has been classified as Pathogenic.

GeneDx
Classification: Pathogenic. Last evaluated: 2024-11-11. Review status: criteria provided, single submitter. Criteria: GeneDx Variant Classification Process June 2021. Collection method: clinical testing. Allele origin: germline. Affected: yes.
Comment: Frameshift variant predicted to result in protein truncation or nonsense mediated decay in a gene for which loss of function is a known mechanism of disease; Not observed at significant frequency in large population cohorts (gnomAD); This variant is associated with the following publications: (PMID: 23656349, 27173220)

Genome-Nilou Lab
Classification: Pathogenic for Neurofibromatosis, type 1. Last evaluated: 2022-03-15. Review status: criteria provided, single submitter. Criteria: ACMG Guidelines, 2015. Collection method: clinical testing. Allele origin: germline. Affected: no.

ARUP Laboratories, Molecular Genetics and Genomics, ARUP Laboratories
Classification: Pathogenic. Last evaluated: 2019-03-19. Review status: criteria provided, single submitter. Criteria: ARUP Molecular Germline Variant Investigation Process. Collection method: clinical testing. Allele origin: germline.
Comment: The NF1 c.6583_6586delGAGA; p.Glu2195fs variant (rs1131691084), also known as c.6520_6523delGAGA; p.Glu2174fs for NM_000267.3, has been reported as a de novo variant in an individual with neurofibromatosis type 1 (Su 2016). This variant is also reported as pathogenic in ClinVar (Variation ID: 428961). It is absent from general population databases (Exome Variant Server, Genome Aggregation Database), indicating it is not a common polymorphism. This variant causes a frameshift by deleting 4 nucleotides, so it is predicted to result in a truncated protein or mRNA subject to nonsense-mediated decay. Based on available information, this variant is considered to be pathogenic. REFERENCES Su SY et al. NF1 frameshift mutation (c.6520_6523delGAGA) association with nervous system tumors and bone abnormalities in a Chinese patient with neurofibromatosis type 1. Genet Mol Res. 2016 Apr 7;15(2).

Ambry Genetics
Classification: Pathogenic for Hereditary cancer-predisposing syndrome. Last evaluated: 2015-05-06. Review status: criteria provided, single submitter. Criteria: Ambry Autosomal Dominant and X-Linked criteria (10/2015). Collection method: clinical testing. Allele origin: germline. Observed: 1 variant allele.
Comment: The c.6583_6586delGAGA pathogenic mutation, located in coding exon 43 of the NF1 gene, results from a deletion of 4 nucleotides between nucleotide positions 6583 and 6586, causing a translational frameshift with a predicted alternate stop codon. Since frameshifts are typically deleterious in nature, this alteration is interpreted as a disease-causing mutation (ACMG Recommendations for Standards for Interpretation and Reporting of Sequence Variations. Revision 2007. Genet Med. 2008;10:294).

Literature cited by the submitters: PubMed 10712197 (cited by Labcorp Genetics (formerly Invitae), Labcorp); PubMed 23913538 (cited by Labcorp Genetics (formerly Invitae), Labcorp); PubMed 27173220 (cited by Labcorp Genetics (formerly Invitae), Labcorp).